The following is an entry in ClinVar:

NM_004380.3(CREBBP):c.6238_6239del (p.Pro2080fs)

Gene: CREBBP (CREB binding lysine acetyltransferase; minus strand). Cytogenetic location: 16p13.3.
Variant type: Deletion.
Coding change: c.6238_6239del on transcript NM_004380.3 (MANE Select); coding-DNA positions 6238 to 6239, 2 bases deleted (CC; older notation c.6238_6239delCC).
Protein change: p.Pro2080fs; shifts the reading frame from proline 2080.
Molecular consequence: frameshift variant.
Genome position (GRCh38, 1-based): chr16:3,728,808-3,728,809, GG deleted on the plus strand (CC on the coding strand, the reverse complement: CREBBP is on the minus strand); deleting any 2 consecutive bases within chr16:3,728,808-3,728,811 gives the same sequence; the c. name uses the placement nearest the transcript's 3' end. VCF-style (leftmost placement, unchanged base first): chr16-3728807-AGG-A. GRCh37 (hg19) VCF-style: chr16-3778808-AGG-A.
Other names: c.6124_6125del, p.Pro2042fs (NM_001079846.1); short protein forms P2042fs, P2080fs.
Identifiers: ClinVar variation 2019616 (VCV002019616.4), dbSNP rs2548346371, ClinGen allele CA2580091133.
Genomic context (GRCh38, chr16:3,728,807, plus strand): 5'-GAAAGCTGCCATTAGCTGCGGGTTTGATTTGAGAATGTTCAGCACCTGCTGTTGCTGCTG[AGG>A]GGAGCTGGGCGACTTCAGGGTCCGCAGCAGGTCTTGCAGAGCGCTGGGTGAGATGCTCCT-3'

ClinVar aggregate classification (germline): Pathogenic (1 of 4 stars; one submission).

Conditions:
Rubinstein-Taybi syndrome (RSTS). Identifiers: Orphanet 783, MedGen C0035934, MONDO:0019188.

Submission:

Labcorp Genetics (formerly Invitae), Labcorp
Classification: Pathogenic for Rubinstein-Taybi syndrome. Last evaluated: 2022-07-25. Review status: criteria provided, single submitter. Criteria: Invitae Variant Classification Sherloc (09022015). Collection method: clinical testing. Allele origin: germline.
Comment: This variant disrupts a region of the CREBBP protein in which other variant(s) (p.Met2225Alafs*78) have been determined to be pathogenic (PMID: 32170002). This suggests that this is a clinically significant region of the protein, and that variants that disrupt it are likely to be disease-causing. For these reasons, this variant has been classified as Pathogenic. This variant has not been reported in the literature in individuals affected with CREBBP-related conditions. This sequence change creates a premature translational stop signal (p.Pro2080Serfs*260) in the CREBBP gene. While this is not anticipated to result in nonsense mediated decay, it is expected to disrupt the last 363 amino acid(s) of the CREBBP protein. This variant is not present in population databases (gnomAD no frequency).

Literature cited by the submitters: PubMed 32170002.